The following is an entry in ClinVar:

NM_003001.5(SDHC):c.149G>T (p.Arg50Leu)

Gene: SDHC (succinate dehydrogenase complex subunit C; plus strand). Cytogenetic location: 1q23.3.
Variant type: single nucleotide variant.
Coding change: c.149G>T on transcript NM_003001.5 (MANE Select); coding-DNA position 149, G replaced by T.
Protein change: p.Arg50Leu; replaces arginine 50 with leucine.
Molecular consequence: missense variant. On other transcripts: non-coding transcript variant (1), intron variant (4).
Genome position (GRCh38, 1-based): chr1:161,328,467, G>T. VCF-style: chr1-161328467-G-T. GRCh37 (hg19) VCF-style: chr1-161298257-G-T.
Other names: c.149G>T, p.Arg50Leu (NM_001035511.3, NM_001407115.1); c.92G>T, p.Arg31Leu (NM_001407116.1, NM_001407117.1, NM_001407121.1); c.38G>T, p.Arg13Leu (NM_001407119.1, NM_001407120.1); c.77+4797G>T (NM_001035512.3, NM_001278172.3, NM_001407118.1); c.21-12127G>T (NM_001035513.3); short protein forms R50L, R13L, R31L.
Identifiers: ClinVar variation 465961 (VCV000465961.11), dbSNP rs769177037, ClinGen allele CA343361232.

ClinVar aggregate classification (germline): Uncertain significance. Review status: criteria provided, multiple submitters, no conflicts (2 of 4 stars). 2 submissions from 2 submitters: Uncertain significance (2). Last evaluated 2025-10-01.

Conditions:
Hereditary cancer-predisposing syndrome. Also called: Tumor predisposition; Hereditary neoplastic syndrome; Neoplastic Syndromes, Hereditary; Hereditary Cancer Syndrome. Identifiers: Orphanet 140162, MedGen C0027672, MeSH D009386, MONDO:0015356.
Pheochromocytoma/paraganglioma syndrome 3. Also called: SDHC-Related Hereditary Paraganglioma-Pheochromocytoma Syndrome (Paragangliomas 3); GLOMUS TUMORS, FAMILIAL, 3; SDHC-Related Hereditary Paraganglioma-Pheochromocytoma Syndrome; Paragangliomas 3. Identifiers: Orphanet 29072, MedGen C1854336, MONDO:0011544, OMIM 605373.
Gastrointestinal stromal tumor. Also called: Gastrointestinal stroma tumor; Gastrointestinal stromal tumor, somatic. Identifiers: Orphanet 44890, MedGen C0238198, MeSH D046152, MONDO:0011719, OMIM 606764, HP:0100723.

gnomAD v4.1: 1 of 1,612,596 alleles (0.000062%); highest among the groups gnomAD compares: African/African-American, 0.0013%; no homozygotes.

Submissions (2):

Labcorp Genetics (formerly Invitae), Labcorp
Classification: Uncertain significance for Pheochromocytoma/paraganglioma syndrome 3; Gastrointestinal stromal tumor. Last evaluated: 2025-10-01. Review status: criteria provided, single submitter. Criteria: Invitae Variant Classification Sherloc (09022015). Collection method: clinical testing. Allele origin: germline.
Comment: This sequence change replaces arginine, which is basic and polar, with leucine, which is neutral and non-polar, at codon 50 of the SDHC protein (p.Arg50Leu). This variant is not present in population databases (gnomAD no frequency). This variant has not been reported in the literature in individuals affected with SDHC-related conditions. ClinVar contains an entry for this variant (Variation ID: 465961). Invitae Evidence Modeling of protein sequence and biophysical properties (such as structural, functional, and spatial information, amino acid conservation, physicochemical variation, residue mobility, and thermodynamic stability) indicates that this missense variant is expected to disrupt SDHC protein function with a positive predictive value of 95%. This variant disrupts the p.Arg50 amino acid residue in SDHC. Other variant(s) that disrupt this residue have been determined to be pathogenic (PMID: 19351833, 23175444, 23666964, 24102379, 27279923; internal datadatabase). This suggests that this residue is clinically significant, and that variants that disrupt this residue are likely to be disease-causing. In summary, the available evidence is currently insufficient to determine the role of this variant in disease. Therefore, it has been classified as a Variant of Uncertain Significance.

Ambry Genetics
Classification: Uncertain significance for Hereditary cancer-predisposing syndrome. Last evaluated: 2025-03-05. Review status: criteria provided, single submitter. Criteria: Ambry Variant Classification Scheme 2023. Collection method: clinical testing. Allele origin: germline.
Comment: The p.R50L variant (also known as c.149G>T), located in coding exon 3 of the SDHC gene, results from a G to T substitution at nucleotide position 149. The arginine at codon 50 is replaced by leucine, an amino acid with dissimilar properties. This amino acid position is highly conserved in available vertebrate species. In addition, this alteration is predicted to be deleterious by in silico analysis. Based on the available evidence, the clinical significance of this variant remains unclear.

Literature cited by the submitters: PubMed 19351833 (cited by Labcorp Genetics (formerly Invitae), Labcorp); PubMed 23175444 (cited by Labcorp Genetics (formerly Invitae), Labcorp); PubMed 23666964 (cited by Labcorp Genetics (formerly Invitae), Labcorp); PubMed 24102379 (cited by Labcorp Genetics (formerly Invitae), Labcorp); PubMed 27279923 (cited by Labcorp Genetics (formerly Invitae), Labcorp).